The following is an entry in ClinVar:

ClinVar aggregate classification (germline): Uncertain significance (1 of 4 stars; one submission).

Conditions:
Atypical hemolytic-uremic syndrome. Identifiers: Orphanet 2134, MedGen C2931788, MONDO:0016244.
Basal laminar drusen. Also called: DRUSEN OF BRUCH MEMBRANE; DRUSEN, CUTICULAR; DRUSEN, EARLY ADULT-ONSET, GROUPED. Identifiers: Orphanet 75376, MedGen C0730295, MONDO:0007472, OMIM 126700.
Factor H deficiency (CFHD). Also called: COMPLEMENT FACTOR H DEFICIENCY; CFH DEFICIENCY. Identifiers: Orphanet 200421, MedGen C0398777, MONDO:0012350, OMIM 609814.
Age related macular degeneration 4. Identifiers: MedGen C1853147, MONDO:0012540, OMIM 610698.

Submission:

Genomenon, Inc
Classification: Uncertain significance for Basal laminar drusen; Age related macular degeneration 4; Atypical hemolytic-uremic syndrome; Factor H deficiency. Last evaluated: 2025-10-02. Review status: criteria provided, single submitter. Criteria: Genomenon Sequence Variant Interpretation Standards - Updated. Collection method: curation. Allele origin: germline. Affected: no.
Comment: CFH p.Asp560Ala (c.1679A>C) is a missense variant that changes the amino acid at residue 560 from Aspartic acid to Alanine. This variant has been reported in the published literature (PMID:25330773). It is absent or not present at a significant frequency in gnomAD. In silico models agree that this variant is not damaging. In conclusion, we classify CFH p.Asp560Ala (c.1679A>C) as a variant of uncertain significance.

Literature cited by the submitters: PubMed 25330773.

NM_000186.4(CFH):c.1679A>C (p.Asp560Ala)

Gene: CFH (complement factor H; plus strand). Cytogenetic location: 1q31.3.
Variant type: single nucleotide variant.
Coding change: c.1679A>C on transcript NM_000186.4 (MANE Select); coding-DNA position 1679, A replaced by C.
Protein change: p.Asp560Ala; replaces aspartic acid 560 with alanine.
Molecular consequence: missense variant.
Genome position (GRCh38, 1-based): chr1:196,715,752, A>C. VCF-style: chr1-196715752-A-C. GRCh37 (hg19) VCF-style: chr1-196684882-A-C.
Other names: short protein forms D560A.
Identifiers: ClinVar variation 4291408 (VCV004291408.1).